The following is an entry in ClinVar:

NM_005236.3(ERCC4):c.2545C>G (p.Gln849Glu)

Gene: ERCC4 (ERCC excision repair 4, endonuclease catalytic subunit; plus strand). Cytogenetic location: 16p13.12.
Variant type: single nucleotide variant.
Coding change: c.2545C>G on transcript NM_005236.3 (MANE Select); coding-DNA position 2545, C replaced by G.
Protein change: p.Gln849Glu; replaces glutamine 849 with glutamic acid.
Molecular consequence: missense variant.
Genome position (GRCh38, 1-based): chr16:13,948,141, C>G. VCF-style: chr16-13948141-C-G. GRCh37 (hg19) VCF-style: chr16-14041998-C-G.
Other names: short protein forms Q849E.
Identifiers: ClinVar variation 134137 (VCV000134137.19), dbSNP rs374186605, ClinGen allele CA158873.

ClinVar aggregate classification (germline): Conflicting classifications of pathogenicity. Review status: criteria provided, conflicting classifications (1 of 4 stars). 8 submissions from 8 submitters: Uncertain significance (1); Benign (2); Likely benign (4). 1 of the submissions does not count toward it. Last evaluated 2026-01-15.

Conditions:
Fanconi anemia complementation group Q. Identifiers: Orphanet 84, MedGen C3808988, MONDO:0014108, OMIM 615272.
Xeroderma pigmentosum, group F (XPF). Also called: XERODERMA PIGMENTOSUM VI; XP, GROUP F; XERODERMA PIGMENTOSUM, TYPE F; Xeroderma pigmentosum, type 6; XERODERMA PIGMENTOSUM, COMPLEMENTATION GROUP F; ERCC4-Related Xeroderma Pigmentosum. Identifiers: MedGen C0268140, MONDO:0010215, OMIM 278760.
Cockayne syndrome. Identifiers: Orphanet 191, MedGen C0009207, MONDO:0016006.
Inborn genetic diseases. Identifiers: MedGen C0950123, MeSH D030342.
Ovarian cancer. Also called: OVARIAN CANCER, SOMATIC. Identifiers: Orphanet 213500, MedGen C1140680, MONDO:0008170, OMIM 167000.
Xeroderma pigmentosum (XP). Identifiers: Orphanet 910, MedGen C0043346, MONDO:0019600.

Allele frequency attached by ClinVar (database versions not stated): gnomAD exomes 0.00002 and 0.00009; gnomAD 0.00007 and 0.00008; ExAC 0.00010; TOPMed 0.00010.
gnomAD v4.1: 84 of 1,614,046 alleles (0.0052%); highest among the groups gnomAD compares: East Asian, 0.065%; no homozygotes.

Submissions (8):

Labcorp Genetics (formerly Invitae), Labcorp
Classification: Benign for Fanconi anemia complementation group Q; Xeroderma pigmentosum, group F; Cockayne syndrome. Last evaluated: 2026-01-15. Review status: criteria provided, single submitter. Criteria: Invitae Variant Classification Sherloc (09022015). Collection method: clinical testing. Allele origin: germline.

Ambry Genetics
Classification: Likely benign for Inborn genetic diseases. Last evaluated: 2025-07-24. Review status: criteria provided, single submitter. Criteria: Ambry Variant Classification Scheme 2023. Collection method: clinical testing. Allele origin: germline.

Blueprint Genetics
Classification: Likely benign. Last evaluated: 2024-11-08. Review status: criteria provided, single submitter. Criteria: ACMG Guidelines, 2015. Collection method: clinical testing. Allele origin: germline.

KCCC/NGS Laboratory, Kuwait Cancer Control Center
Classification: Likely benign for Xeroderma pigmentosum, group F. Last evaluated: 2023-07-07. Review status: criteria provided, single submitter. Criteria: ACMG Guidelines, 2015. Collection method: clinical testing. Allele origin: germline. Affected: yes.

Laboratory of Molecular Epidemiology of Birth Defects, West China Second University Hospital, Sichuan University
Classification: Benign for Ovarian cancer. Last evaluated: 2022-01-01. Review status: criteria provided, single submitter. Criteria: ACMG Guidelines, 2015. Collection method: clinical testing. Allele origin: germline. Affected: yes.

Sema4
Classification: Uncertain significance for Xeroderma pigmentosum. Last evaluated: 2021-09-24. Review status: criteria provided, single submitter. Criteria: Sema4 Curation Guidelines. Collection method: curation. Allele origin: germline.
Comment: To the best of our knowledge, the ERCC4 c.2545C>G (p.Q849E) variant has not been reported in individuals with ERCC4-related disease. This variant was observed in 21/19948 chromosomes in the East Asian subpopulation, including 1 homozygote, according to the Genome Aggregation Database (PMID: 32461654). This variant has been reported in ClinVar (Variation ID: 134137). Functional studies have not been performed, and in silico predictions of the variant's effect on protein function are inconclusive. The evidence is insufficient to meet ACMG/AMP criteria for classifying the variant as benign or pathogenic. Thus, the clinical significance of this variant is currently uncertain.

Victorian Clinical Genetics Services, Murdoch Childrens Research Institute
Classification: Likely benign for Fanconi anemia complementation group Q. Last evaluated: 2020-10-19. Review status: criteria provided, single submitter. Criteria: ACMG Guidelines, 2015. Collection method: clinical testing. Allele origin: germline. Inheritance: Autosomal recessive inheritance.
Comment: Based on the classification scheme VCGS_Germline_v1.1.1, this variant is classified as likely benign. Following criteria are met: 0102 - Loss-of-function is a known mechanism of disease for this gene. (N) 0106 - This gene is known to be associated with autosomal recessive disease. (N) 0200 - Variant is predicted to result in a missense amino acid change from glutamine to glutamic acid (exon 11). (N) 0252 - Variant is homozygous. (N) 0304 - Variant is present in gnomAD <0.01 for a recessive condition (23 heterozygotes, 1 homozygote). (P) 0309 - An alternative amino acid change at the same position has been observed in gnomAD (p.(Gln849Leu); 9 heterozygotes, 0 homozygotes). (N) 0503 - Missense variant consistently predicted to be tolerated or not conserved in mammals with a minor amino acid change. (B) 0600 - Variant is located in an annotated domain or motif (Rad1 superfamily; NCBI)(N) 0705 - No comparable variants have previous evidence for pathogenicity. (N) 0806 - Moderate previous evidence of neutrality in unrelated individuals (ClinVar). (B) 0905 - No segregation evidence has been identified for this variant. (N) 1007 - No published functional evidence has been identified for this variant. (N) 1205 - Variant is bialleic. (N) Legend: (P) - Pathogenic, (N) - Neutral, (B) - Benign

ITMI
No classification provided. Condition: AllHighlyPenetrant. Last evaluated: 2013-09-19. Review status: no classification provided. Collection method: reference population. Allele origin: germline. Not counted in ClinVar's aggregate classification.
Comment: Please see associated publication for description of ethnicities

Literature cited by the submitters: PubMed 36413997 (cited by Ambry Genetics); PubMed 24728327 (cited by ITMI).